The following is an entry in ClinVar:

ClinVar aggregate classification (germline): Conflicting classifications of pathogenicity. Review status: criteria provided, conflicting classifications (1 of 4 stars). 6 submissions from 6 submitters: Uncertain significance (5); Likely benign (1). Last evaluated 2026-01-21.

Conditions:
Merosin deficient congenital muscular dystrophy (MDC1A). Also called: Congenital merosin-deficient muscular dystrophy 1A; Congenital Muscular Dystrophy Type 1A (MDC1A). Identifiers: Orphanet 258, MedGen C1263858, MONDO:0011925, OMIM 607855.
Muscular dystrophy, limb-girdle, autosomal recessive 23. Identifiers: Orphanet 565837, MedGen C4748327, MONDO:0029136, OMIM 618138.
LAMA2-related muscular dystrophy (LAMA2-RD). Also called: Laminin alpha 2-related dystrophy. Identifiers: MedGen C5679788, MONDO:0100228.

Allele frequency attached by ClinVar (database versions not stated): gnomAD 0.00006; TOPMed 0.00011; ESP Exome Variant Server 0.00023.
gnomAD v4.1: 225 of 1,613,730 alleles (0.014%); highest among the groups gnomAD compares: Middle Eastern, 0.082%; no homozygotes.

Submissions (6):

Labcorp Genetics (formerly Invitae), Labcorp
Classification: Likely benign for LAMA2-related muscular dystrophy. Last evaluated: 2026-01-21. Review status: criteria provided, single submitter. Criteria: Invitae Variant Classification Sherloc (09022015). Collection method: clinical testing. Allele origin: germline.

Mayo Clinic Laboratories, Mayo Clinic
Classification: Uncertain significance. Last evaluated: 2025-05-27. Review status: criteria provided, single submitter. Criteria: ACMG Guidelines, 2015. Collection method: clinical testing. Allele origin: germline. Observed: 2 variant alleles.
Comment: PP3

Revvity Omics, Revvity
Classification: Uncertain significance. Last evaluated: 2024-10-16. Review status: criteria provided, single submitter. Criteria: ACMG Guidelines, 2015. Collection method: clinical testing. Allele origin: germline.

Women's Health and Genetics/Laboratory Corporation of America, LabCorp
Classification: Uncertain significance. Last evaluated: 2024-04-17. Review status: criteria provided, single submitter. Criteria: LabCorp Variant Classification Summary - May 2015. Collection method: clinical testing. Allele origin: germline.
Comment: Variant summary: LAMA2 c.437C>G (p.Ser146Cys) results in a non-conservative amino acid change located in the Laminin, N-terminal domain (IPR008211) of the encoded protein sequence. Five of five in-silico tools predict a damaging effect of the variant on protein function. The variant allele was found at a frequency of 0.00018 in 251462 control chromosomes. This frequency is not significantly higher than estimated for a pathogenic variant in LAMA2 causing Laminin Alpha 2-Related Dystrophy (0.00018 vs 0.0022), allowing no conclusion about variant significance. To our knowledge, no occurrence of c.437C>G in individuals affected with Laminin Alpha 2-Related Dystrophy and no experimental evidence demonstrating its impact on protein function have been reported. ClinVar contains an entry for this variant (Variation ID: 543838). Based on the evidence outlined above, the variant was classified as uncertain significance.

Department of Pathology and Laboratory Medicine, Sinai Health System
Classification: Uncertain significance for Merosin deficient congenital muscular dystrophy; Muscular dystrophy, limb-girdle, autosomal recessive 23. Last evaluated: 2021-07-30. Review status: criteria provided, single submitter. Criteria: ACMG Guidelines, 2015. Collection method: research. Allele origin: germline.

GeneDx
Classification: Uncertain significance. Last evaluated: 2021-04-15. Review status: criteria provided, single submitter. Criteria: GeneDx Variant Classification Process June 2021. Collection method: clinical testing. Allele origin: germline. Affected: yes.
Comment: Has not been previously published as pathogenic or benign to our knowledge; In silico analysis supports that this missense variant has a deleterious effect on protein structure/function

Literature cited by the submitters: PubMed 35885997 (cited by Mayo Clinic Laboratories, Mayo Clinic).

NM_000426.4(LAMA2):c.437C>G (p.Ser146Cys)

Gene: LAMA2 (laminin subunit alpha 2; plus strand). Cytogenetic location: 6q22.33.
Variant type: single nucleotide variant.
Coding change: c.437C>G on transcript NM_000426.4 (MANE Select); coding-DNA position 437, C replaced by G.
Protein change: p.Ser146Cys; replaces serine 146 with cysteine.
Molecular consequence: missense variant.
Genome position (GRCh38, 1-based): chr6:129,098,213, C>G. VCF-style: chr6-129098213-C-G. GRCh37 (hg19) VCF-style: chr6-129419358-C-G.
Other names: p.Ser146Cys; c.437C>G, p.Ser146Cys (NM_001079823.2); short protein forms S146C.
Identifiers: ClinVar variation 543838 (VCV000543838.20), dbSNP rs143680577, ClinGen allele CA3992339.
Genomic context (GRCh38, chr6:129,098,213, plus strand): 5'-TTGTTGTTATACTTCCCTAGGTGTTCCAGATCGCGTATGTGATTGTGAAGGCAGCTAACT[C>G]CCCCCGGCCTGGAAACTGGATTTTGGAACGCTCTCTTGATGATGTTGAATACAAGCCCTG-3'
Protein context (NP_000417.3, residues 136-156): IAYVIVKAAN[Ser146Cys]PRPGNWILER